The following is an entry in ClinVar:

NM_001005361.3(DNM2):c.1187A>G (p.His396Arg)

Gene: DNM2 (dynamin 2; plus strand). Cytogenetic location: 19p13.2.
Variant type: single nucleotide variant.
Coding change: c.1187A>G on transcript NM_001005361.3 (MANE Select); coding-DNA position 1187, A replaced by G.
Protein change: p.His396Arg; replaces histidine 396 with arginine.
Molecular consequence: missense variant.
Genome position (GRCh38, 1-based): chr19:10,795,430, A>G. VCF-style: chr19-10795430-A-G. GRCh37 (hg19) VCF-style: chr19-10906106-A-G.
Other names: c.1187A>G, p.His396Arg (NM_001005360.3, NM_001005362.3, NM_001190716.2 and 1 more transcripts); short protein forms H396R.
Identifiers: ClinVar variation 2844487 (VCV002844487.3), dbSNP rs2513232036, ClinGen allele CA404048464.

ClinVar aggregate classification (germline): Uncertain significance (1 of 4 stars; one submission).

Conditions:
Charcot-Marie-Tooth disease dominant intermediate B (CMTDIB). Also called: Charcot-Marie-Tooth disease dominant intermediate 1; CMT DI1; Charcot-Marie-Tooth disease dominant intermediate I; CHARCOT-MARIE-TOOTH NEUROPATHY, DOMINANT INTERMEDIATE B. Identifiers: Orphanet 100044, Orphanet 228179, MedGen C1847902, MONDO:0011674, OMIM 606482.

Allele frequency attached by ClinVar (database versions not stated): gnomAD exomes below 0.00001.
gnomAD v4.1: 1 of 1,614,036 alleles (0.000062%); highest among the groups gnomAD compares: Non-Finnish European, 0.000085%; no homozygotes.

Submission:

Labcorp Genetics (formerly Invitae), Labcorp
Classification: Uncertain significance for Charcot-Marie-Tooth disease dominant intermediate B. Last evaluated: 2024-01-01. Review status: criteria provided, single submitter. Criteria: Invitae Variant Classification Sherloc (09022015). Collection method: clinical testing. Allele origin: germline.
Comment: This sequence change replaces histidine, which is basic and polar, with arginine, which is basic and polar, at codon 396 of the DNM2 protein (p.His396Arg). This variant is not present in population databases (gnomAD no frequency). This variant has not been reported in the literature in individuals affected with DNM2-related conditions. Advanced modeling of protein sequence and biophysical properties (such as structural, functional, and spatial information, amino acid conservation, physicochemical variation, residue mobility, and thermodynamic stability) has been performed at Invitae for this missense variant, however the output from this modeling did not meet the statistical confidence thresholds required to predict the impact of this variant on DNM2 protein function. In summary, the available evidence is currently insufficient to determine the role of this variant in disease. Therefore, it has been classified as a Variant of Uncertain Significance.